The following is an entry in ClinVar:

ClinVar aggregate classification (germline): Uncertain significance (1 of 4 stars; one submission).

gnomAD v4.1: 8 of 1,605,434 alleles (0.0005%); highest among the groups gnomAD compares: Non-Finnish European, 0.00059%; no homozygotes.

Submission:

GeneDx
Classification: Uncertain significance. Last evaluated: 2023-11-11. Review status: criteria provided, single submitter. Criteria: GeneDx Variant Classification Process June 2021. Collection method: clinical testing. Allele origin: germline. Affected: yes.
Comment: Not observed at significant frequency in large population cohorts (gnomAD); In silico analysis supports that this missense variant has a deleterious effect on protein structure/function; Has not been previously published as pathogenic or benign to our knowledge

NM_005886.3(KATNB1):c.829G>A (p.Asp277Asn)

Gene: KATNB1 (katanin regulatory subunit B1; plus strand). Cytogenetic location: 16q21.
Variant type: single nucleotide variant.
Coding change: c.829G>A on transcript NM_005886.3 (MANE Select); coding-DNA position 829, G replaced by A.
Protein change: p.Asp277Asn; replaces aspartic acid 277 with asparagine.
Molecular consequence: missense variant.
Genome position (GRCh38, 1-based): chr16:57,752,902, G>A. VCF-style: chr16-57752902-G-A. GRCh37 (hg19) VCF-style: chr16-57786814-G-A.
Other names: short protein forms D277N.
Identifiers: ClinVar variation 3364238 (VCV003364238.1).